The following is an entry in ClinVar:

ClinVar aggregate classification (germline): Likely benign. Review status: criteria provided, multiple submitters, no conflicts (2 of 4 stars). 6 submissions from 6 submitters: Likely benign (6). Last evaluated 2025-11-05.

Conditions:
Familial thoracic aortic aneurysm and aortic dissection (TAAD). Also called: Thoracic aortic aneurysms and dissections. Identifiers: Orphanet 91387, MedGen C4707243, MONDO:0019625.
Arterial tortuosity syndrome (ATORS). Identifiers: Orphanet 3342, MedGen C1859726, MONDO:0008818, OMIM 208050.

Allele frequency attached by ClinVar (database versions not stated): ExAC 0.00001; gnomAD 0.00001; gnomAD exomes 0.00001 and 0.00003; TOPMed 0.00003.

Submissions (6):

Labcorp Genetics (formerly Invitae), Labcorp
Classification: Likely benign for Arterial tortuosity syndrome. Last evaluated: 2025-11-05. Review status: criteria provided, single submitter. Criteria: Invitae Variant Classification Sherloc (09022015). Collection method: clinical testing. Allele origin: germline.

CeGaT Center for Human Genetics Tuebingen
Classification: Likely benign. Last evaluated: 2023-03-01. Review status: criteria provided, single submitter. Criteria: CeGaT Center For Human Genetics Tuebingen Variant Classification Criteria Version 2. Collection method: clinical testing. Allele origin: germline. Affected: yes. Observed: 1 variant allele.
Comment: SLC2A10: BP4, BP7

Women's Health and Genetics/Laboratory Corporation of America, LabCorp
Classification: Likely benign. Last evaluated: 2022-10-22. Review status: criteria provided, single submitter. Criteria: LabCorp Variant Classification Summary - May 2015. Collection method: clinical testing. Allele origin: germline.

Ambry Genetics
Classification: Likely benign for Familial thoracic aortic aneurysm and aortic dissection. Last evaluated: 2022-06-09. Review status: criteria provided, single submitter. Criteria: Ambry Variant Classification Scheme 2023. Collection method: clinical testing. Allele origin: germline.

GeneDx
Classification: Likely benign. Last evaluated: 2020-06-08. Review status: criteria provided, single submitter. Criteria: GeneDx Variant Classification Process June 2021. Collection method: clinical testing. Allele origin: germline. Affected: yes.

PreventionGenetics, part of Exact Sciences
Classification: Likely benign. Review status: criteria provided, single submitter. Criteria: ACMG Guidelines, 2015. Collection method: clinical testing. Allele origin: germline.

NM_030777.4(SLC2A10):c.1371G>A (p.Ala457=)

Gene: SLC2A10 (solute carrier family 2 member 10; plus strand). Cytogenetic location: 20q13.12.
Variant type: single nucleotide variant.
Coding change: c.1371G>A on transcript NM_030777.4 (MANE Select); coding-DNA position 1371, G replaced by A.
Protein change: p.Ala457=; no amino-acid change (alanine 457 retained).
Molecular consequence: synonymous variant.
Genome position (GRCh38, 1-based): chr20:46,726,946, G>A. VCF-style: chr20-46726946-G-A. GRCh37 (hg19) VCF-style: chr20-45355585-G-A.
Identifiers: ClinVar variation 261937 (VCV000261937.39), dbSNP rs558894862, ClinGen allele CA9892173.